The following is an entry in ClinVar:

ClinVar aggregate classification (germline): Benign/Likely benign. Review status: criteria provided, multiple submitters, no conflicts (2 of 4 stars). 4 submissions from 4 submitters: Benign (2); Likely benign (1). 1 of the submissions does not count toward it. Last evaluated 2026-02-03.

Conditions:
KPNA7-related disorder. Also called: KPNA7-related condition.

Allele frequency attached by ClinVar (database versions not stated): 1000 Genomes Project 30x 0.00234; 1000 Genomes Project 0.00240; ExAC 0.00450; TOPMed 0.00454; ESP Exome Variant Server 0.00460; gnomAD 0.00562 and 0.00582; gnomAD exomes 0.00599 and 0.00770.
gnomAD v4.1: 11,494 of 1,551,648 alleles (0.74%); highest among the groups gnomAD compares: Non-Finnish European, 0.87%; 52 homozygotes.

Submissions (4):

Labcorp Genetics (formerly Invitae), Labcorp
Classification: Benign. Last evaluated: 2026-02-03. Review status: criteria provided, single submitter. Criteria: Invitae Variant Classification Sherloc (09022015). Collection method: clinical testing. Allele origin: germline.

Blueprint Genetics
Classification: Likely benign. Last evaluated: 2024-11-26. Review status: criteria provided, single submitter. Criteria: ACMG Guidelines, 2015. Collection method: clinical testing. Allele origin: germline.

Breakthrough Genomics
Classification: Benign. Review status: criteria provided, single submitter. Criteria: ACMG Guidelines, 2015. Collection method: not provided. Allele origin: germline. Inheritance: Unknown mechanism. Affected: yes.

PreventionGenetics, part of Exact Sciences
Classification: Benign for KPNA7-related condition. Last evaluated: 2019-06-18. Review status: no assertion criteria provided. Collection method: clinical testing. Allele origin: germline. Not counted in ClinVar's aggregate classification.
Comment: This variant is classified as benign based on ACMG/AMP sequence variant interpretation guidelines (Richards et al. 2015 PMID: 25741868, with internal and published modifications).

NM_001145715.3(KPNA7):c.731C>T (p.Pro244Leu)

Gene: KPNA7 (karyopherin subunit alpha 7; minus strand). Cytogenetic location: 7q22.1.
Variant type: single nucleotide variant.
Coding change: c.731C>T on transcript NM_001145715.3 (MANE Select); coding-DNA position 731, C replaced by T.
Protein change: p.Pro244Leu; replaces proline 244 with leucine.
Molecular consequence: missense variant.
Genome position (GRCh38, 1-based): chr7:99,188,469, G>A on the plus strand (C>T on the coding strand, the complement: KPNA7 is on the minus strand). VCF-style: chr7-99188469-G-A. GRCh37 (hg19) VCF-style: chr7-98786092-G-A.
Other names: c.731C>T (NM_001145715.2); short protein forms P244L.
Identifiers: ClinVar variation 695456 (VCV000695456.15), dbSNP rs116916633, ClinGen allele CA4363199.